The following is an entry in ClinVar:

NM_001330260.2(SCN8A):c.1118A>G (p.Glu373Gly)

Gene: SCN8A (sodium voltage-gated channel alpha subunit 8; plus strand). Cytogenetic location: 12q13.13.
Variant type: single nucleotide variant.
Coding change: c.1118A>G on transcript NM_001330260.2 (MANE Select); coding-DNA position 1118, A replaced by G.
Protein change: p.Glu373Gly; replaces glutamic acid 373 with glycine.
Molecular consequence: missense variant.
Genome position (GRCh38, 1-based): chr12:51,702,898, A>G. VCF-style: chr12-51702898-A-G. GRCh37 (hg19) VCF-style: chr12-52096682-A-G.
Other names: c.1118A>G, p.Glu373Gly (NM_001177984.3, NM_001369788.1, NM_014191.4); c.1118A>G (NM_014191.2); short protein forms E373G.
Identifiers: ClinVar variation 546706 (VCV000546706.43), dbSNP rs1555219158, ClinGen allele CA385227329.

ClinVar aggregate classification (germline): Conflicting classifications of pathogenicity. Review status: criteria provided, conflicting classifications (1 of 4 stars). 2 submissions from 2 submitters: Pathogenic (1); Uncertain significance (1). Last evaluated 2025-04-03.

Conditions:
Inborn genetic diseases. Identifiers: MedGen C0950123, MeSH D030342.

Submissions (2):

Ambry Genetics
Classification: Uncertain significance for Inborn genetic diseases. Last evaluated: 2025-04-03. Review status: criteria provided, single submitter. Criteria: Ambry Variant Classification Scheme 2023. Collection method: clinical testing. Allele origin: germline.
Comment: The c.1118A>G (p.E373G) alteration is located in exon 9 (coding exon 8) of the SCN8A gene. This alteration results from an A to G substitution at nucleotide position 1118, causing the glutamic acid (E) at amino acid position 373 to be replaced by a glycine (G). This variant was not reported in population-based cohorts in the Genome Aggregation Database (gnomAD). This amino acid position is highly conserved in available vertebrate species. This missense alteration is located in a region that has a low rate of benign missense variation (Lek, 2016; Firth, 2009). This alteration is predicted to be deleterious by in silico analysis. Based on insufficient or conflicting evidence, the clinical significance of this alteration remains unclear.

CeGaT Center for Human Genetics Tuebingen
Classification: Pathogenic. Last evaluated: 2018-05-01. Review status: criteria provided, single submitter. Criteria: CeGaT Center For Human Genetics Tuebingen Variant Classification Criteria Version 2. Collection method: clinical testing. Allele origin: germline. Affected: yes. Observed: 3 variant alleles.